The following is an entry in ClinVar:

Single allele

Variant type: Deletion.
Identifiers: ClinVar variation 157210 (VCV000157210.2).

ClinVar aggregate classification (germline): not provided (0 of 4 stars; one submission).

Conditions:
Small for gestational age. Also called: Low birth weight. Identifiers: MedGen C0235991, HP:0001518.

Submission:

Institute of Molecular and Cell Biology, University of Tartu
No classification provided. Condition: Small for gestational age. Review status: no classification provided. Collection method: case-control. Allele origin: unknown. Affected: yes. Study: Kasak2014.
Comment: The study aimed to determine the contribution of copy number variants in the genetic etiology of normal and complicated pregnancies. The samples represented (i) maternal blood DNA drawn from healthy pregnant women during 1st or 2nd trimester and (ii) maternal and paternal blood DNA drawn at term pregnancy cases representing normal and complicated gestations (severe preeclampsia, PE; gestational diabetes, GD; small-for-gestational age newborn, SGA; large-for-gestational age newborn, LGA). We performed CNV calling based on genome-wide genotyping dataset (Illumina HumanOmniExpress-24-v1 BeadChip) by applying three algorithms, QuantiSNP, GADA (Genome Alteration Detection Algorithm) and CNstream in parallel. The acquired CNV calls were merged with HD-CNV (Hotspot Detector for Copy Number Variants) program and only the CNVs predicted by at least two programs, were considered in subsequent analysis.

Literature cited by the submitters: PubMed 25666259.